The following is an entry in ClinVar:

NM_003680.4(YARS1):c.1246C>A (p.Gln416Lys)

Gene: YARS1 (tyrosyl-tRNA synthetase 1; minus strand). Cytogenetic location: 1p35.1.
Variant type: single nucleotide variant.
Coding change: c.1246C>A on transcript NM_003680.4 (MANE Select); coding-DNA position 1246, C replaced by A.
Protein change: p.Gln416Lys; replaces glutamine 416 with lysine.
Molecular consequence: missense variant.
Genome position (GRCh38, 1-based): chr1:32,780,173, G>T on the plus strand (C>A on the coding strand, the complement: YARS1 is on the minus strand). VCF-style: chr1-32780173-G-T. GRCh37 (hg19) VCF-style: chr1-33245774-G-T.
Other names: short protein forms Q416K.
Identifiers: ClinVar variation 700421 (VCV000700421.13), dbSNP rs76611863, ClinGen allele CA744944.

ClinVar aggregate classification (germline): Likely benign. Review status: criteria provided, multiple submitters, no conflicts (2 of 4 stars). 3 submissions from 3 submitters: Likely benign (3). Last evaluated 2026-02-12.

Conditions:
YARS1-related disorder. Also called: YARS1-related condition.
Inborn genetic diseases. Identifiers: MedGen C0950123, MeSH D030342.
Charcot-Marie-Tooth disease dominant intermediate C (CMTDIC). Also called: CHARCOT-MARIE-TOOTH NEUROPATHY, DOMINANT INTERMEDIATE C. Identifiers: Orphanet 100045, MedGen C1842237, MONDO:0012012, OMIM 608323.

Allele frequency attached by ClinVar (database versions not stated): gnomAD 0.00006 and 0.00007; TOPMed 0.00006; gnomAD exomes 0.00008 and 0.00013; ExAC 0.00010; 1000 Genomes Project 30x 0.00016; 1000 Genomes Project 0.00020.
gnomAD v4.1: 123 of 1,614,158 alleles (0.0076%); highest among the groups gnomAD compares: East Asian, 0.27%; 1 homozygote.

Submissions (3):

PreventionGenetics, part of Exact Sciences
Classification: Likely benign for YARS1-related condition. Last evaluated: 2026-02-12. Review status: criteria provided, single submitter. Criteria: ACMG Guidelines, 2015. Collection method: clinical testing. Allele origin: germline.
Comment: This variant is classified as likely benign based on ACMG/AMP sequence variant interpretation guidelines (Richards et al. 2015 PMID: 25741868, with internal and published modifications).

Labcorp Genetics (formerly Invitae), Labcorp
Classification: Likely benign for Charcot-Marie-Tooth disease dominant intermediate C. Last evaluated: 2024-12-02. Review status: criteria provided, single submitter. Criteria: Invitae Variant Classification Sherloc (09022015). Collection method: clinical testing. Allele origin: germline.

Ambry Genetics
Classification: Likely benign for Inborn genetic diseases. Last evaluated: 2021-11-09. Review status: criteria provided, single submitter. Criteria: Ambry Variant Classification Scheme 2023. Collection method: clinical testing. Allele origin: germline.